The following is an entry in ClinVar:

NM_014915.3(ANKRD26):c.4828C>A (p.Pro1610Thr)

Gene: ANKRD26 (ankyrin repeat domain containing 26; minus strand). Cytogenetic location: 10p12.1.
Variant type: single nucleotide variant.
Coding change: c.4828C>A on transcript NM_014915.3 (MANE Select); coding-DNA position 4828, C replaced by A.
Protein change: p.Pro1610Thr; replaces proline 1610 with threonine.
Molecular consequence: missense variant.
Genome position (GRCh38, 1-based): chr10:27,013,007, G>T on the plus strand (C>A on the coding strand, the complement: ANKRD26 is on the minus strand). VCF-style: chr10-27013007-G-T. GRCh37 (hg19) VCF-style: chr10-27301936-G-T.
Other names: c.4825C>A, p.Pro1609Thr (NM_001256053.2); short protein forms P1609T, P1610T.
Identifiers: ClinVar variation 2629434 (VCV002629434.1), dbSNP rs2538525746, ClinGen allele CA376354746.
Genomic context (GRCh38, chr10:27,013,007, plus strand): 5'-TTTCTCTTGGAATAAGTTTTCTGTTGAGATCTAAACTATTATTAAGATTTCCCACACAAG[G>T]TGGCTCCATGACTGGCCTGGTAGTGAGAGTGGTGAACAAAGATCTGCTCTGCTGTTTTTC-3'
Protein context (NP_055730.2, residues 1600-1620): TLTTRPVMEP[Pro1610Thr]CVGNLNNSLD

ClinVar aggregate classification (germline): Uncertain significance (1 of 4 stars; one submission).

Conditions:
ANKRD26-related disorder. Also called: ANKRD26-related condition.

Allele frequency attached by ClinVar (database versions not stated): gnomAD exomes below 0.00001.
gnomAD v4.1: 2 of 1,614,016 alleles (0.00012%); highest among the groups gnomAD compares: Non-Finnish European, 0.00017%; no homozygotes.

Submission:

PreventionGenetics, part of Exact Sciences
Classification: Uncertain significance for ANKRD26-related condition. Last evaluated: 2022-10-21. Review status: criteria provided, single submitter. Criteria: ACMG Guidelines, 2015. Collection method: clinical testing. Allele origin: germline.
Comment: The ANKRD26 c.4828C>A variant is predicted to result in the amino acid substitution p.Pro1610Thr. To our knowledge, this variant has not been reported in the literature or in a large population database, indicating this variant is rare. At this time, the clinical significance of this variant is uncertain due to the absence of conclusive functional and genetic evidence.